The following is an entry in ClinVar:

ClinVar aggregate classification (germline): Pathogenic (1 of 4 stars; one submission).

Conditions:
Breast-ovarian cancer, familial, susceptibility to, 1 (BROVCA1). Also called: BRCA1 Hereditary Breast and Ovarian Cancer; OVARIAN CANCER, SUSCEPTIBILITY TO. Identifiers: Orphanet 145, MedGen C2676676, MONDO:0011450, OMIM 604370. Disease mechanism: loss of function.
Fanconi anemia, complementation group S (FANCS). Identifiers: MedGen C4554406, MONDO:0054748, OMIM 617883.
Familial cancer of breast. Also called: BREAST CANCER, FAMILIAL; Hereditary breast cancer; hereditary breast carcinoma. Identifiers: Orphanet 227535, MedGen C0346153, MONDO:0016419, OMIM 114480. Disease mechanism: loss of function.

Submissions (2):

Department of Pathology and Laboratory Medicine, Sinai Health System
Classification: Pathogenic for Familial cancer of breast; Breast-ovarian cancer, familial, susceptibility to, 1; Fanconi anemia, complementation group S. Last evaluated: 2023-09-25. Review status: criteria provided, single submitter. Criteria: ACMG Guidelines, 2015. Collection method: clinical testing. Allele origin: germline. Affected: no.

Brotman Baty Institute, University of Washington
No classification provided (evidence only). Condition: Breast-ovarian cancer, familial 1. Review status: no classification provided. Collection method: in vitro. Allele origin: not applicable. Functional consequence: functionally_abnormal. Not counted in ClinVar's aggregate classification.
ClinVar note: "not provided" was previously submitted as the classification for the variant. However, the classification appeared to be based only on an observation of functional data so it was converted to no classification on 2025-07-30.

NM_007294.4(BRCA1):c.80+2T>C

Gene: BRCA1 (BRCA1 DNA repair associated; minus strand). Cytogenetic location: 17q21.31.
Variant type: single nucleotide variant.
Coding change: c.80+2T>C on transcript NM_007294.4 (MANE Select); the canonical splice donor site of the intron after coding-DNA position 80, T replaced by C.
Molecular consequence: splice donor variant. On other transcripts: intron variant (36).
Genome position (GRCh38, 1-based): chr17:43,124,015, A>G on the plus strand (T>C on the coding strand, the complement: BRCA1 is on the minus strand). VCF-style: chr17-43124015-A-G. GRCh37 (hg19) VCF-style: chr17-41276032-A-G.
Other names: c.-8+2T>C (NM_001408467.1, NM_001408459.1, NM_001407945.1 and 23 more transcripts); c.80+2T>C (NM_001408475.1, NM_001407875.1, NM_001407659.1 and 192 more transcripts); c.-109+2T>C (NM_001408509.1, NM_001408508.1, NM_001408491.1 and 46 more transcripts); c.-61-8236T>C (NM_001408458.1); c.-219+1262T>C (NM_001407967.1); c.-170+1262T>C (NM_001407959.1); c.-8+1262T>C (NM_001407931.1, NM_001407747.1); c.-224+1262T>C (NM_001407962.1, NM_001408512.1, NM_001408510.1); and 23 more.
Identifiers: ClinVar variation 868761 (VCV000868761.5), dbSNP rs80358128, ClinGen allele CA10601994.